The following is an entry in ClinVar:

ClinVar aggregate classification (germline): Uncertain significance. Review status: criteria provided, multiple submitters, no conflicts (2 of 4 stars). 2 submissions from 2 submitters: Uncertain significance (2). Last evaluated 2025-03-08.

Conditions:
Gastrointestinal stromal tumor. Also called: Gastrointestinal stroma tumor; Gastrointestinal stromal tumor, somatic. Identifiers: Orphanet 44890, MedGen C0238198, MeSH D046152, MONDO:0011719, OMIM 606764, HP:0100723.
Hereditary cancer-predisposing syndrome. Also called: Tumor predisposition; Hereditary Cancer Syndrome; Neoplastic Syndromes, Hereditary; Hereditary neoplastic syndrome. Identifiers: Orphanet 140162, MedGen C0027672, MeSH D009386, MONDO:0015356.

Submissions (2):

Ambry Genetics
Classification: Uncertain significance for Hereditary cancer-predisposing syndrome. Last evaluated: 2025-03-08. Review status: criteria provided, single submitter. Criteria: Ambry Variant Classification Scheme 2023. Collection method: clinical testing. Allele origin: germline.
Comment: The p.F522I variant (also known as c.1564T>A), located in coding exon 10 of the KIT gene, results from a T to A substitution at nucleotide position 1564. The phenylalanine at codon 522 is replaced by isoleucine, an amino acid with highly similar properties. This amino acid position is conserved. In addition, this alteration is predicted to be deleterious by in silico analysis. Based on the available evidence, the clinical significance of this variant remains unclear.

Labcorp Genetics (formerly Invitae), Labcorp
Classification: Uncertain significance for Gastrointestinal stromal tumor. Last evaluated: 2020-11-11. Review status: criteria provided, single submitter. Criteria: Invitae Variant Classification Sherloc (09022015). Collection method: clinical testing. Allele origin: germline.
Comment: This sequence change replaces phenylalanine with isoleucine at codon 522 of the KIT protein (p.Phe522Ile). The phenylalanine residue is highly conserved and there is a small physicochemical difference between phenylalanine and isoleucine. In summary, the available evidence is currently insufficient to determine the role of this variant in disease. Therefore, it has been classified as a Variant of Uncertain Significance. Algorithms developed to predict the effect of missense changes on protein structure and function are either unavailable or do not agree on the potential impact of this missense change (SIFT: "Deleterious"; PolyPhen-2: "Probably Damaging"; Align-GVGD: "Class C15"). This variant has not been reported in the literature in individuals with KIT-related conditions. This variant is not present in population databases (ExAC no frequency).

NM_000222.3(KIT):c.1564T>A (p.Phe522Ile)

Gene: KIT (KIT proto-oncogene, receptor tyrosine kinase; plus strand). Cytogenetic location: 4q12.
Variant type: single nucleotide variant.
Coding change: c.1564T>A on transcript NM_000222.3 (MANE Select); coding-DNA position 1564, T replaced by A.
Protein change: p.Phe522Ile; replaces phenylalanine 522 with isoleucine.
Molecular consequence: missense variant.
Genome position (GRCh38, 1-based): chr4:54,727,241, T>A. VCF-style: chr4-54727241-T-A. GRCh37 (hg19) VCF-style: chr4-55593407-T-A.
Other names: c.1564T>A (NM_000222.2); c.1552T>A, p.Phe518Ile (NM_001093772.2, NM_001385286.1); c.1567T>A, p.Phe523Ile (NM_001385284.1, NM_001385290.1); c.1564T>A, p.Phe522Ile (NM_001385285.1); c.1555T>A, p.Phe519Ile (NM_001385288.1, NM_001385292.1); short protein forms F519I, F522I, F518I, F523I.
Identifiers: ClinVar variation 1346274 (VCV001346274.9), dbSNP rs144610991, ClinGen allele CA356906932.
Genomic context (GRCh38, chr4:54,727,241, plus strand): 5'-CCAAAGTTTGTGATTCCACATTTCTCTTCCATTGTAGAGCAAATCCATCCCCACACCCTG[T>A]TCACTCCTTTGCTGATTGGTTTCGTAATCGTAGCTGGCATGATGTGCATTATTGTGATGA-3'
Protein context (NP_000213.1, residues 512-532): NKEQIHPHTL[Phe522Ile]TPLLIGFVIV